The following is an entry in ClinVar:

NM_003737.4(DCHS1):c.3685C>T (p.Arg1229Cys)

Gene: DCHS1 (dachsous cadherin-related 1; minus strand). Cytogenetic location: 11p15.4.
Variant type: single nucleotide variant.
Coding change: c.3685C>T on transcript NM_003737.4 (MANE Select); coding-DNA position 3685, C replaced by T.
Protein change: p.Arg1229Cys; replaces arginine 1229 with cysteine.
Molecular consequence: missense variant.
Genome position (GRCh38, 1-based): chr11:6,631,398, G>A on the plus strand (C>T on the coding strand, the complement: DCHS1 is on the minus strand). VCF-style: chr11-6631398-G-A. GRCh37 (hg19) VCF-style: chr11-6652629-G-A.
Other names: c.3685C>T (NM_003737.2); short protein forms R1229C.
Identifiers: ClinVar variation 1489818 (VCV001489818.8), dbSNP rs565376353, ClinGen allele CA217299086.

ClinVar aggregate classification (germline): Uncertain significance. Review status: criteria provided, multiple submitters, no conflicts (2 of 4 stars). 3 submissions from 3 submitters: Uncertain significance (3). Last evaluated 2025-09-10.

Conditions:
Inborn genetic diseases. Identifiers: MedGen C0950123, MeSH D030342.
Van Maldergem syndrome 1 (VMLDS1). Also called: Van Maldergem syndrome 1 (VMLDS1). Identifiers: Orphanet 314679, MedGen C4551950, MONDO:0011070, OMIM 601390.

Allele frequency attached by ClinVar (database versions not stated): gnomAD exomes 0.00002; TOPMed 0.00008; gnomAD 0.00014 and 0.00015.
gnomAD v4.1: 33 of 1,613,820 alleles (0.002%); highest among the groups gnomAD compares: Admixed American, 0.048%; no homozygotes.

Submissions (3):

Labcorp Genetics (formerly Invitae), Labcorp
Classification: Uncertain significance. Last evaluated: 2025-09-10. Review status: criteria provided, single submitter. Criteria: Invitae Variant Classification Sherloc (09022015). Collection method: clinical testing. Allele origin: germline.
Comment: This sequence change replaces arginine, which is basic and polar, with cysteine, which is neutral and slightly polar, at codon 1229 of the DCHS1 protein (p.Arg1229Cys). This variant is present in population databases (rs565376353, gnomAD 0.02%). This variant has not been reported in the literature in individuals affected with DCHS1-related conditions. ClinVar contains an entry for this variant (Variation ID: 1489818). Invitae Evidence Modeling of protein sequence and biophysical properties (such as structural, functional, and spatial information, amino acid conservation, physicochemical variation, residue mobility, and thermodynamic stability) indicates that this missense variant is not expected to disrupt DCHS1 protein function with a negative predictive value of 80%. In summary, the available evidence is currently insufficient to determine the role of this variant in disease. Therefore, it has been classified as a Variant of Uncertain Significance.

Clinical Genomics Laboratory, Washington University in St. Louis
Classification: Uncertain significance for Van Maldergem syndrome 1. Last evaluated: 2024-08-30. Review status: criteria provided, single submitter. Criteria: ACMG Guidelines, 2015. Collection method: clinical testing. Allele origin: germline.
Comment: A DCHS1 c.3685C>T (p.Arg1229Cys) variant was identified at a heterozygous allelic fraction of 49.6%, a frequency which may be consistent with germline origin. This variant, to our knowledge, has not been reported in the medical literature. It has been reported in the ClinVar database as a germline variant of uncertain significance by two submitters (ClinVar variation ID: 1489818). The DCHS1 c.3685C>T (p.Arg1229Cys) variant is only observed on 33/1,613,820 alleles in the general population (gnomAD v.4.1.0). Computational predictors suggest that the variant does not impact DCHS1 function. Due to limited information, and based on ACMG/AMP guidelines for variant interpretation (Richards S et al., PMID: 25741868), the clinical significance of this variant is uncertain at this time.

Ambry Genetics
Classification: Uncertain significance for Inborn genetic diseases. Last evaluated: 2024-04-20. Review status: criteria provided, single submitter. Criteria: Ambry Variant Classification Scheme 2023. Collection method: clinical testing. Allele origin: germline.